The following is an entry in ClinVar:

NM_001164508.2(NEB):c.1008del (p.Asn336fs)

Gene: NEB (nebulin; minus strand). Cytogenetic location: 2q23.3.
Variant type: Deletion.
Coding change: c.1008del on transcript NM_001164508.2 (MANE Select); coding-DNA position 1008, one base deleted (T; older notation c.1008delT).
Protein change: p.Asn336fs; shifts the reading frame from asparagine 336.
Molecular consequence: frameshift variant.
Genome position (GRCh38, 1-based): chr2:151,709,683, A deleted on the plus strand (T on the coding strand, the reverse complement: NEB is on the minus strand). VCF-style (leftmost placement, unchanged base first): chr2-151709682-TA-T. GRCh37 (hg19) VCF-style: chr2-152566196-TA-T.
Other names: c.1008del, p.Asn336fs (NM_001164507.2, NM_001271208.2, NM_004543.5); short protein forms N336fs.
Identifiers: ClinVar variation 4814700 (VCV004814700.2).

ClinVar aggregate classification (germline): Pathogenic/Likely pathogenic. Review status: criteria provided, multiple submitters, no conflicts (2 of 4 stars). 2 submissions from 2 submitters: Pathogenic (1); Likely pathogenic (1). Last evaluated 2024-12-18.

Conditions:
Nemaline myopathy 2 (NEM2). Also called: Nemaline myopathy 2, autosomal recessive. Identifiers: MedGen C1850569, MONDO:0009725, OMIM 256030.

Submissions (2):

Myriad Genetics, Inc.
Classification: Pathogenic for Nemaline myopathy 2. Last evaluated: 2024-12-18. Review status: criteria provided, single submitter. Criteria: Myriad Autosomal Dominant, Autosomal Recessive and X-Linked Classification Criteria (2023). Collection method: clinical testing. Allele origin: unknown.
Comment: NM_001271208.1(NEB):c.1008delT(N336Kfs*11) is expected to be pathogenic in the context of NEB-related nemaline myopathy. This variant is predicted to lead to an abnormal or absent protein product due to the creation of a premature termination codon in NEB, a gene where loss-of-function variants are known to be pathogenic. Please note: this variant was assessed in the context of healthy population screening.

Natera, Inc.
Classification: Likely pathogenic for Nemaline myopathy type 2. Last evaluated: 2024-05-30. Review status: criteria provided, single submitter. Criteria: Natera Variant Classification Schema (03/2026). Collection method: clinical testing. Allele origin: germline.
Comment: The c.1008delT variant in NEB is a frameshift variant predicted to shift the reading frame beginning at codon 336 and leads to a stop codon 11 codons downstream. This variant is expected to result in nonsense mediated decay, truncation, or a dysfunctional protein product. This variant is rare in the general population with a frequency below the threshold expected for the associated phenotype(s). Given the available evidence, this variant is classified as Likely Pathogenic.